The following is an entry in ClinVar:

NM_001394998.1(TANC2):c.2291A>G (p.Gln764Arg)

Gene: TANC2 (tetratricopeptide repeat, ankyrin repeat and coiled-coil containing 2; plus strand). Cytogenetic location: 17q23.3.
Variant type: single nucleotide variant.
Coding change: c.2291A>G on transcript NM_001394998.1 (MANE Select); coding-DNA position 2291, A replaced by G.
Protein change: p.Gln764Arg; replaces glutamine 764 with arginine.
Molecular consequence: missense variant.
Genome position (GRCh38, 1-based): chr17:63,355,099, A>G. VCF-style: chr17-63355099-A-G. GRCh37 (hg19) VCF-style: chr17-61432460-A-G.
Other names: c.2069A>G, p.Gln690Arg (NM_001411076.1, NM_025185.4); short protein forms Q690R, Q764R.
Identifiers: ClinVar variation 5016870 (VCV005016870.1).

ClinVar aggregate classification (germline): Uncertain significance (1 of 4 stars; one submission).

gnomAD v4.1: 1 of 1,613,798 alleles (0.000062%); highest among the groups gnomAD compares: African/African-American, 0.0013%; no homozygotes.

Submission:

GeneDx
Classification: Uncertain significance. Last evaluated: 2026-03-26. Review status: criteria provided, single submitter. Criteria: GeneDx Variant Classification Process June 2021. Collection method: clinical testing. Allele origin: germline.
Comment: Not observed at significant frequency in large population cohorts (gnomAD); In silico analysis supports that this missense variant has a deleterious effect on protein structure/function; Has not been previously published as pathogenic or benign to our knowledge